The following is an entry in ClinVar:

NM_000368.5(TSC1):c.2814-2A>G

Gene: TSC1 (TSC complex subunit 1; minus strand). Cytogenetic location: 9q34.13.
Variant type: single nucleotide variant.
Coding change: c.2814-2A>G on transcript NM_000368.5 (MANE Select); the canonical splice acceptor site of the intron before coding-DNA position 2814, A replaced by G.
Molecular consequence: splice acceptor variant.
Genome position (GRCh38, 1-based): chr9:132,897,347, T>C on the plus strand (A>G on the coding strand, the complement: TSC1 is on the minus strand). VCF-style: chr9-132897347-T-C. GRCh37 (hg19) VCF-style: chr9-135772734-T-C.
Other names: c.2448-2A>G (NM_001406620.1, NM_001406621.1, NM_001406622.1 and 1 more transcripts); c.2451-2A>G (NM_001406618.1, NM_001406617.1, NM_001406619.1 and 4 more transcripts); c.2406-2A>G (NM_001406625.1); c.2616-2A>G (NM_001406613.1); c.2658-2A>G (NM_001406612.1, NM_001406611.1); c.2661-2A>G (NM_001406610.1, NM_001162427.2); c.1860-2A>G (NM_001406627.1, NM_001406628.1); c.1761-2A>G (NM_001406629.1, NM_001406630.1); and 8 more.
Identifiers: ClinVar variation 654801 (VCV000654801.7), dbSNP rs1588290111, ClinGen allele CA375368958.
Genomic context (GRCh38, chr9:132,897,347, plus strand): 5'-ACACCTGGGTTATCCTTTTCTGAGCCTCATACCTGCTCTCTGCGGCCTGCAGCTGTCCTC[T>C]GAAAGATACAGACCAGCCAGAATATAGGAAGTTCCACTTAATAAAAACACAAAAGCCTTT-3'

ClinVar aggregate classification (germline): Likely pathogenic (1 of 4 stars; one submission).

Conditions:
Tuberous sclerosis 1 (TSC1). Identifiers: Orphanet 805, MedGen C1854465, MONDO:0008612, OMIM 191100.

Submission:

Labcorp Genetics (formerly Invitae), Labcorp
Classification: Likely pathogenic for Tuberous sclerosis 1. Last evaluated: 2018-09-14. Review status: criteria provided, single submitter. Criteria: Invitae Variant Classification Sherloc (09022015). Collection method: clinical testing. Allele origin: germline.
Comment: In summary, the currently available evidence indicates that the variant is pathogenic, but additional data are needed to prove that conclusively. Therefore, this variant has been classified as Likely Pathogenic. Donor and acceptor splice site variants typically lead to a loss of protein function (PMID: 16199547), and loss-of-function variants in TSC1 are known to be pathogenic (PMID: 10227394, 17304050). This variant has not been reported in the literature in individuals with TSC1-related disease. This variant is not present in population databases (ExAC no frequency). This sequence change affects an acceptor splice site in intron 21 of the TSC1 gene. It is expected to disrupt RNA splicing and likely results in an absent or disrupted protein product.

Literature cited by the submitters: PubMed 16199547; PubMed 10227394; PubMed 17304050.